The following is an entry in ClinVar:

ClinVar aggregate classification (germline): Uncertain significance (1 of 4 stars; one submission).

Conditions:
Intellectual developmental disorder, X-linked 1. Also called: Intellectual disability, X-linked 1; Atkin Flaitz Patil Smith syndrome; MENTAL RETARDATION, X-LINKED 18; MENTAL RETARDATION, X-LINKED 78. Identifiers: Orphanet 777, MedGen C2931498, MONDO:0010656, OMIM 309530.

Submission:

Labcorp Genetics (formerly Invitae), Labcorp
Classification: Uncertain significance for Intellectual developmental disorder, X-linked 1. Last evaluated: 2021-11-17. Review status: criteria provided, single submitter. Criteria: Invitae Variant Classification Sherloc (09022015). Collection method: clinical testing. Allele origin: germline.
Comment: This variant is not present in population databases (gnomAD no frequency). In summary, the available evidence is currently insufficient to determine the role of this variant in disease. Therefore, it has been classified as a Variant of Uncertain Significance. Advanced modeling of protein sequence and biophysical properties (such as structural, functional, and spatial information, amino acid conservation, physicochemical variation, residue mobility, and thermodynamic stability) performed at Invitae indicates that this missense variant is not expected to disrupt IQSEC2 protein function. This variant has not been reported in the literature in individuals affected with IQSEC2-related conditions. This sequence change replaces histidine, which is basic and polar, with tyrosine, which is neutral and polar, at codon 1241 of the IQSEC2 protein (p.His1241Tyr).

NM_001111125.3(IQSEC2):c.3721C>T (p.His1241Tyr)

Gene: IQSEC2 (IQ motif and Sec7 domain ArfGEF 2; minus strand). Cytogenetic location: Xp11.22.
Variant type: single nucleotide variant.
Coding change: c.3721C>T on transcript NM_001111125.3 (MANE Select); coding-DNA position 3721, C replaced by T.
Protein change: p.His1241Tyr; replaces histidine 1241 with tyrosine.
Molecular consequence: missense variant. On other transcripts: 3 prime UTR variant (1).
Genome position (GRCh38, 1-based): chrX:53,234,965, G>A on the plus strand (C>T on the coding strand, the complement: IQSEC2 is on the minus strand). VCF-style: chrX-53234965-G-A. GRCh37 (hg19) VCF-style: chrX-53264147-G-A.
Other names: c.*206C>T (NM_015075.2); short protein forms H1241Y.
Identifiers: ClinVar variation 1462144 (VCV001462144.6), dbSNP rs2147004455, ClinGen allele CA413141245.